The following is an entry in ClinVar:

NM_001042492.3(NF1):c.447C>T (p.Asn149=)

Gene: NF1 (neurofibromin 1; plus strand). Cytogenetic location: 17q11.2.
Variant type: single nucleotide variant.
Coding change: c.447C>T on transcript NM_001042492.3 (MANE Select); coding-DNA position 447, C replaced by T.
Protein change: p.Asn149=; no amino-acid change (asparagine 149 retained).
Molecular consequence: synonymous variant.
Genome position (GRCh38, 1-based): chr17:31,163,344, C>T. VCF-style: chr17-31163344-C-T. GRCh37 (hg19) VCF-style: chr17-29490362-C-T.
Other names: c.447C>T, p.Asn149= (NM_000267.4, NM_001128147.3).
Identifiers: ClinVar variation 4016719 (VCV004016719.3).
Genomic context (GRCh38, chr17:31,163,344, plus strand): 5'-GCATGCAGCTGAACTTCGGAATTCTGCCTCTGGGGTTTTATTTTCTCTCAGCTGCAACAA[C>T]TTCAATGCAGTCTTTAGTCGCATTTCTACCAGGTTAGTGTGTAAATCCACATGGGACTAC-3'
Protein context (NP_001035957.1, residues 139-159): SGVLFSLSCN[Asn149=]FNAVFSRIST

ClinVar aggregate classification (germline): Benign/Likely benign. Review status: criteria provided, multiple submitters, no conflicts (2 of 4 stars). 3 submissions from 3 submitters: Benign (1); Likely benign (2). Last evaluated 2026-09-23.

Conditions:
Neurofibromatosis, type 1 (NF1). Also called: VON RECKLINGHAUSEN DISEASE; NEUROFIBROMATOSIS, TYPE I, SOMATIC; Peripheral type neurofibromatosis; Neurofibromatosis, type I. Identifiers: Orphanet 636, MedGen C0027831, MONDO:0018975, OMIM 162200. Disease mechanism: loss of function.
Cardiovascular phenotype. Identifiers: MedGen CN230736.
Hereditary cancer-predisposing syndrome. Also called: Neoplastic Syndromes, Hereditary; Tumor predisposition; Hereditary neoplastic syndrome; Hereditary Cancer Syndrome. Identifiers: Orphanet 140162, MedGen C0027672, MeSH D009386, MONDO:0015356.

Submissions (3):

Myriad Genetics, Inc.
Classification: Benign for Neurofibromatosis, type 1. Last evaluated: 2026-09-23. Review status: criteria provided, single submitter. Criteria: Myriad Autosomal Dominant, Autosomal Recessive and X-Linked Classification Criteria (2023). Collection method: clinical testing. Allele origin: unknown.
Comment: This variant is considered benign. This variant is a silent/synonymous amino acid change and it is not expected to impact splicing.

Ambry Genetics
Classification: Likely benign for Cardiovascular phenotype; Hereditary cancer-predisposing syndrome. Last evaluated: 2025-03-27. Review status: criteria provided, single submitter. Criteria: Ambry Variant Classification Scheme 2023. Collection method: clinical testing. Allele origin: germline.

Labcorp Genetics (formerly Invitae), Labcorp
Classification: Likely benign for Neurofibromatosis, type 1. Last evaluated: 2025-02-26. Review status: criteria provided, single submitter. Criteria: Invitae Variant Classification Sherloc (09022015). Collection method: clinical testing. Allele origin: germline.